The following is an entry in ClinVar:

ClinVar aggregate classification (germline): Uncertain significance (1 of 4 stars; one submission).

Submission:

Ambry Genetics
Classification: Uncertain significance. Last evaluated: 2023-03-11. Review status: criteria provided, single submitter. Criteria: Ambry Variant Classification Scheme 2023. Collection method: clinical testing. Allele origin: germline.
Comment: The p.C644Y variant (also known as c.1931G>A), located in coding exon 17 of the RAD54L gene, results from a G to A substitution at nucleotide position 1931. The cysteine at codon 644 is replaced by tyrosine, an amino acid with highly dissimilar properties. This amino acid position is conserved. In addition, this alteration is predicted to be deleterious by in silico analysis. Since supporting evidence is limited at this time, the clinical significance of this alteration remains unclear.

NM_003579.4(RAD54L):c.1931G>A (p.Cys644Tyr)

Genes: LRRC41 (leucine rich repeat containing 41; minus strand), RAD54L (RAD54 like; plus strand). Cytogenetic location: 1p34.1.
Variant type: single nucleotide variant.
Coding change: c.1931G>A on transcript NM_003579.4 (MANE Select); coding-DNA position 1931, G replaced by A.
Protein change: p.Cys644Tyr; replaces cysteine 644 with tyrosine.
Molecular consequence: missense variant. On other transcripts: 3 prime UTR variant (1).
Genome position (GRCh38, 1-based): chr1:46,277,878, G>A. VCF-style: chr1-46277878-G-A. GRCh37 (hg19) VCF-style: chr1-46743550-G-A.
Other names: c.*987C>T (NM_006369.5); c.1931G>A, p.Cys644Tyr (NM_001142548.2); c.1391G>A, p.Cys464Tyr (NM_001370766.1); short protein forms C644Y, C464Y.
Identifiers: ClinVar variation 2447817 (VCV002447817.2), dbSNP rs2525729604, ClinGen allele CA340189518.
Genomic context (GRCh38, chr1:46,277,878, plus strand): 5'-CAGGGACCATTGAGGAGAAGATCTTCCAGCGTCAGAGCCACAAGAAGGCACTGAGCAGCT[G>A]TGTGGTGGATGAGGAGCAGGATGTAGAGCGCCACTTCTCTCTGGGCGAGTTGAAGGAGCT-3'
Protein context (NP_003570.2, residues 634-654): RQSHKKALSS[Cys644Tyr]VVDEEQDVER